The following is an entry in ClinVar:

ClinVar aggregate classification (germline): Pathogenic/Likely pathogenic. Review status: criteria provided, multiple submitters, no conflicts (2 of 4 stars). 4 submissions from 4 submitters: Pathogenic (2); Likely pathogenic (2). Last evaluated 2025-10-12.

Conditions:
Dermatitis, atopic, 2. Identifiers: MedGen C1853965, MONDO:0011596, OMIM 605803.
Ichthyosis vulgaris. Also called: ICHTHYOSIS SIMPLEX; Dominant ichthyosis vulgaris. Identifiers: MedGen C0079584, MONDO:0024304, OMIM 146700.
FLG-related disorder. Also called: FLG-related condition; FLG-related disorders.

gnomAD v4.1: 26 of 1,614,006 alleles (0.0016%); highest among the groups gnomAD compares: East Asian, 0.051%; no homozygotes.

Submissions (4):

GeneDx
Classification: Pathogenic. Last evaluated: 2025-10-12. Review status: criteria provided, single submitter. Criteria: GeneDx Variant Classification Process June 2021. Collection method: clinical testing. Allele origin: germline.
Comment: Reported previously in association with symmetrical acral keratoderma, atopic dermatitis, and ichthyosis vulgaris; however in one study this variant was also present in control subjects (PMID: 36716921, 21428977); Nonsense variant predicted to result in protein truncation, as the last 3656 amino acids are lost, and other loss-of-function variants have been reported downstream; This variant is associated with the following publications: (PMID: 36716921, 16444271, 21326297, 21428977)

Blueprint Genetics
Classification: Likely pathogenic for FLG-related disorders. Last evaluated: 2022-10-06. Review status: criteria provided, single submitter. Criteria: ACMG Guidelines, 2015. Collection method: clinical testing. Allele origin: germline. Affected: yes. Observed: 2 variant alleles.

Victorian Clinical Genetics Services, Murdoch Childrens Research Institute
Classification: Pathogenic for Ichthyosis vulgaris. Last evaluated: 2022-02-02. Review status: criteria provided, single submitter. Criteria: ACMG Guidelines, 2015. Collection method: clinical testing. Allele origin: germline. Affected: yes.
Comment: Based on the classification scheme VCGS_Germline_v1.3.4, this variant is classified as Pathogenic. Following criteria are met: 0102 - Loss of function is a known mechanism of disease in this gene and is associated with ichthyosis vulgaris (MIM#146700). (I) 0108 - This gene is associated with both recessive and dominant disease. Biallelic truncating variants tend to result in a more severe condition (PMID: 17291859, PMID: 30681730). (I) 0112 - The condition associated with this gene has incomplete penetrance. Heterozygous carriers are more likely to be asymptomatic than individuals with biallelic mutations (PMID: 17291859, PMID: 30681730). (I) 0204 - Variant is predicted to result in a truncated protein (premature termination codon is NOT located at least 54 nucleotides upstream of the final exon-exon junction) with at least 1/3 of the protein sequence affected. (SP) 0251 - This variant is heterozygous. (I) 0304 - Variant is present in gnomAD (v2) <0.01 for a condition (20 heterozygotes, 0 homozygotes). (SP) 0701 - Other truncating variants comparable to the one identified in this case have very strong previous evidence for pathogenicity (DECIPHER). (SP) 0802 - This variant has moderate previous evidence of pathogenicity in unrelated individuals. This variant has been observed as heterozygous in four individuals with atopic dermatitis (PMID: 21428977). However it has also been observed in four unaffected individuals from control populations (PMIDs: 21428977, 21326297). (SP) 0905 - No published segregation evidence has been identified for this variant. (I) 1007 - No published functional evidence has been identified for this variant. (I) Legend: (SP) - Supporting pathogenic, (I) - Information, (SB) - Supporting benign

Juno Genomics, Hangzhou Juno Genomics, Inc
Classification: Likely pathogenic for Dermatitis, atopic, 2; Ichthyosis vulgaris. Review status: criteria provided, single submitter. Criteria: ACMG Guidelines, 2015. Collection method: clinical testing. Allele origin: germline.
Comment: Null variant in a gene where loss of function (LOF) is a known mechanism of disease.;The prevalence of the variant in affected individuals is significantly increased compared to the prevalence in controls.;For recessive disorders, detected in trans with a pathogenic variant.;Absent from controls (or at extremely low frequency if recessive) in Genome Aggregation Database.

Literature cited by the submitters: PubMed 17291859 (cited by Victorian Clinical Genetics Services, Murdoch Childrens Research Institute); PubMed 21326297 (cited by Victorian Clinical Genetics Services, Murdoch Childrens Research Institute); PubMed 21428977 (cited by Victorian Clinical Genetics Services, Murdoch Childrens Research Institute); PubMed 30681730 (cited by Victorian Clinical Genetics Services, Murdoch Childrens Research Institute).

NM_002016.2(FLG):c.1217C>G (p.Ser406Ter)

Genes: CCDST (cervical cancer associated DHX9 suppressive transcript; plus strand), FLG (filaggrin; minus strand). Cytogenetic location: 1q21.3.
Variant type: single nucleotide variant.
Coding change: c.1217C>G on transcript NM_002016.2 (MANE Select); coding-DNA position 1217, C replaced by G.
Protein change: p.Ser406Ter; replaces serine 406 with a stop codon.
Molecular consequence: nonsense. On other transcripts: non-coding transcript variant (1).
Genome position (GRCh38, 1-based): chr1:152,313,669, G>C on the plus strand (C>G on the coding strand, the complement: FLG is on the minus strand). VCF-style: chr1-152313669-G-C. GRCh37 (hg19) VCF-style: chr1-152286145-G-C.
Other names: short protein forms S406*.
Identifiers: ClinVar variation 3376676 (VCV003376676.7).